The following is an entry in ClinVar:

NM_000088.4(COL1A1):c.671G>C (p.Gly224Ala)

Gene: COL1A1 (collagen type I alpha 1 chain; minus strand). Cytogenetic location: 17q21.33.
Variant type: single nucleotide variant.
Coding change: c.671G>C on transcript NM_000088.4 (MANE Select); coding-DNA position 671, G replaced by C.
Protein change: p.Gly224Ala; replaces glycine 224 with alanine.
Molecular consequence: missense variant.
Genome position (GRCh38, 1-based): chr17:50,197,757, C>G on the plus strand (G>C on the coding strand, the complement: COL1A1 is on the minus strand). VCF-style: chr17-50197757-C-G. GRCh37 (hg19) VCF-style: chr17-48275118-C-G.
Other names: short protein forms G224A.
Identifiers: ClinVar variation 2131240 (VCV002131240.4), dbSNP rs1555574641, ClinGen allele CA400224673.

ClinVar aggregate classification (germline): Pathogenic (1 of 4 stars; one submission).

Conditions:
Osteogenesis imperfecta type I (OI1). Also called: Lobstein's Disease; Osteogenesis imperfecta type 1; Classic Non-deforming Osteogenesis Imperfecta with Blue Sclerae; Lobstein disease; OI, TYPE I; OSTEOGENESIS IMPERFECTA TARDA. Identifiers: Orphanet 216796, Orphanet 666, MedGen C0023931, MONDO:0008146, OMIM 166200. Disease mechanism: loss of function.

Submission:

Labcorp Genetics (formerly Invitae), Labcorp
Classification: Pathogenic for Osteogenesis imperfecta type I. Last evaluated: 2022-05-12. Review status: criteria provided, single submitter. Criteria: Invitae Variant Classification Sherloc (09022015). Collection method: clinical testing. Allele origin: germline.
Comment: Advanced modeling of protein sequence and biophysical properties (such as structural, functional, and spatial information, amino acid conservation, physicochemical variation, residue mobility, and thermodynamic stability) performed at Invitae indicates that this missense variant is expected to disrupt COL1A1 protein function. This variant has not been reported in the literature in individuals affected with COL1A1-related conditions. This variant is not present in population databases (gnomAD no frequency). This sequence change replaces glycine, which is neutral and non-polar, with alanine, which is neutral and non-polar, at codon 224 of the COL1A1 protein (p.Gly224Ala). This variant disrupts the triple helix domain of COL1A1. Glycine residues within the Gly-Xaa-Yaa repeats of the triple helix domain are required for the structure and stability of fibrillar collagens (PMID: 7695699, 8218237, 19344236). In COL1A1, variants affecting these glycine residues are significantly enriched in individuals with disease (PMID: 9016532, 17078022) compared to the general population (ExAC). For these reasons, this variant has been classified as Pathogenic. This variant disrupts the p.Gly224 amino acid residue in COL1A1. Other variant(s) that disrupt this residue have been observed in individuals with COL1A1-related conditions (PMID: 22206639, 29552444; Invitae), which suggests that this may be a clinically significant amino acid residue.

Literature cited by the submitters: PubMed 7695699; PubMed 8218237; PubMed 19344236; PubMed 9016532; PubMed 17078022; PubMed 22206639; PubMed 29552444.